The following is an entry in ClinVar:

ClinVar aggregate classification (germline): Likely benign. Review status: criteria provided, single submitter (1 of 4 stars). 2 submissions from 2 submitters: Likely benign (1). 1 of the submissions does not count toward it. Last evaluated 2026-01-24.

Conditions:
Immunodeficiency-centromeric instability-facial anomalies syndrome 2 (ICF2). Identifiers: Orphanet 2268, MedGen C3279748, MONDO:0013553, OMIM 614069.
ZBTB24-related disorder. Also called: ZBTB24-related condition.

Allele frequency attached by ClinVar (database versions not stated): ESP Exome Variant Server 0.00015; gnomAD 0.00015 and 0.00017; ExAC 0.00028; TOPMed 0.00029.
gnomAD v4.1: 300 of 1,614,260 alleles (0.019%); highest among the groups gnomAD compares: Admixed American, 0.1%; no homozygotes.

Submissions (2):

Labcorp Genetics (formerly Invitae), Labcorp
Classification: Likely benign for Immunodeficiency-centromeric instability-facial anomalies syndrome 2. Last evaluated: 2026-01-24. Review status: criteria provided, single submitter. Criteria: Invitae Variant Classification Sherloc (09022015). Collection method: clinical testing. Allele origin: germline.

PreventionGenetics, part of Exact Sciences
Classification: Likely benign for ZBTB24-related condition. Last evaluated: 2022-08-16. Review status: no assertion criteria provided. Collection method: clinical testing. Allele origin: germline. Not counted in ClinVar's aggregate classification.
Comment: This variant is classified as likely benign based on ACMG/AMP sequence variant interpretation guidelines (Richards et al. 2015 PMID: 25741868, with internal and published modifications).

NM_014797.3(ZBTB24):c.581A>T (p.Asn194Ile)

Gene: ZBTB24 (zinc finger and BTB domain containing 24; minus strand). Cytogenetic location: 6q21.
Variant type: single nucleotide variant.
Coding change: c.581A>T on transcript NM_014797.3 (MANE Select); coding-DNA position 581, A replaced by T.
Protein change: p.Asn194Ile; replaces asparagine 194 with isoleucine.
Molecular consequence: missense variant.
Genome position (GRCh38, 1-based): chr6:109,481,446, T>A on the plus strand (A>T on the coding strand, the complement: ZBTB24 is on the minus strand). VCF-style: chr6-109481446-T-A. GRCh37 (hg19) VCF-style: chr6-109802649-T-A.
Other names: c.581A>T, p.Asn194Ile (NM_001164313.2); short protein forms N194I.
Identifiers: ClinVar variation 709578 (VCV000709578.12), dbSNP rs200325007, ClinGen allele CA3954319.
Genomic context (GRCh38, chr6:109,481,446, plus strand): 5'-TTTGCTGCAATTTGCTCATTCAGTACACCACTGTCTCCTTTAACCACAAAGTTTTGTCTA[T>A]TCTGAACTGAATTGTTCACTCTTAACTGTATTTCTTCCTCTGCAGCCAGTTCTGATTTCT-3'
Protein context (NP_055612.2, residues 184-204): IQLRVNNSVQ[Asn194Ile]RQNFVVKGDS